The following is an entry in ClinVar:

ClinVar aggregate classification (germline): Conflicting classifications of pathogenicity. Review status: criteria provided, conflicting classifications (1 of 4 stars). 3 submissions from 3 submitters: Likely pathogenic (1); Uncertain significance (1). 1 of the submissions does not count toward it. Last evaluated 2020-03-19.

Conditions:
Familial long QT syndrome (RWS). Also called: Congenital long QT syndrome; Romano-Ward syndrome; VENTRICULAR FIBRILLATION WITH PROLONGED QT INTERVAL. Identifiers: Orphanet 768, MedGen C1141890, MONDO:0019171.
Long QT syndrome (LQTS). Identifiers: MedGen C0023976, MeSH D008133, MONDO:0002442. Disease mechanism: loss of function. Inheritance: Various modes of inheritance.

Submissions (3):

Mayo Clinic Laboratories, Mayo Clinic
Classification: Uncertain significance. Last evaluated: 2020-03-19. Review status: criteria provided, single submitter. Criteria: ACMG Guidelines, 2015. Collection method: clinical testing. Allele origin: germline. Observed: 1 variant allele.

Labcorp Genetics (formerly Invitae), Labcorp
Classification: Likely pathogenic for Long QT syndrome. Last evaluated: 2015-08-29. Review status: criteria provided, single submitter. Criteria: Invitae Variant Classification Sherloc (09022015). Collection method: clinical testing. Allele origin: germline.
Comment: This sequence change replaces isoleucine with methionine at codon 204 of the KCNQ1 protein (p.Ile204Met). The isoleucine residue is highly conserved and there is a small physicochemical difference between isoleucine and methionine. In an experimental study, this variant was shown to affect potassium channel function (PMID: 20421371). Furthermore, another sequence change which also affects this codon (p.Ile204Phe) has been shown to reduce channel function (PMID: 20421371, 25444851). This variant is not present in population databases and has been reported in several long QT patients (PMID: 16414944, 19841298, 23158531). ClinVar contains an entry for this variant (Variation ID: 53079). In summary, this is a rare missense change which has been reported in several affected individuals and has been shown to have some effect on protein function. For these reasons, this variant has been classified as Likely Pathogenic.

Cardiovascular Biomedical Research Unit, Royal Brompton & Harefield NHS Foundation Trust
No classification provided. Condition: Familial long QT syndrome. Review status: no classification provided. Collection method: literature only. Allele origin: germline. Not counted in ClinVar's aggregate classification.
Comment: This variant has been reported as associated with Long QT syndrome in the following publications (PMID:16414944;PMID:19716085;PMID:20421371). This is a literature report, and does not necessarily reflect the clinical interpretation of the Imperial College / Royal Brompton Cardiovascular Genetics laboratory.

Literature cited by the submitters: PubMed 20421371 (cited by Labcorp Genetics (formerly Invitae), Labcorp and Cardiovascular Biomedical Research Unit, Royal Brompton & Harefield NHS Foundation Trust); PubMed 25444851 (cited by Labcorp Genetics (formerly Invitae), Labcorp); PubMed 16414944 (cited by Labcorp Genetics (formerly Invitae), Labcorp and Cardiovascular Biomedical Research Unit, Royal Brompton & Harefield NHS Foundation Trust); PubMed 19841298 (cited by Labcorp Genetics (formerly Invitae), Labcorp); PubMed 23158531 (cited by Labcorp Genetics (formerly Invitae), Labcorp); PubMed 19716085 (cited by Cardiovascular Biomedical Research Unit, Royal Brompton & Harefield NHS Foundation Trust); PubMed 22581653 (cited by Cardiovascular Biomedical Research Unit, Royal Brompton & Harefield NHS Foundation Trust).

NM_000218.3(KCNQ1):c.612C>G (p.Ile204Met)

Gene: KCNQ1 (potassium voltage-gated channel subfamily Q member 1; plus strand). Cytogenetic location: 11p15.5.
Variant type: single nucleotide variant.
Coding change: c.612C>G on transcript NM_000218.3 (MANE Select); coding-DNA position 612, C replaced by G.
Protein change: p.Ile204Met; replaces isoleucine 204 with methionine.
Molecular consequence: missense variant.
Genome position (GRCh38, 1-based): chr11:2,571,332, C>G. VCF-style: chr11-2571332-C-G. GRCh37 (hg19) VCF-style: chr11-2592562-C-G.
Other names: c.612C>G (LRG_287t1); c.612C>G, p.Ile204Met (NM_001406836.1); c.342C>G, p.Ile114Met (NM_001406837.1); c.231C>G, p.Ile77Met (NM_181798.2); short protein forms I204M, I77M, I114M.
Identifiers: ClinVar variation 53079 (VCV000053079.12), dbSNP rs199473455, ClinGen allele CA007766.